The following is an entry in ClinVar:

ClinVar aggregate classification (germline): Likely benign (1 of 4 stars; one submission).

Allele frequency attached by ClinVar (database versions not stated): gnomAD 0.00001; TOPMed 0.00002.

Submission:

CeGaT Center for Human Genetics Tuebingen
Classification: Likely benign. Last evaluated: 2022-09-01. Review status: criteria provided, single submitter. Criteria: CeGaT Center For Human Genetics Tuebingen Variant Classification Criteria Version 2. Collection method: clinical testing. Allele origin: germline. Affected: yes. Observed: 1 variant allele.
Comment: SLC27A3: BP4, BP7

NM_024330.4(SLC27A3):c.112C>A (p.Arg38=)

Gene: SLC27A3 (solute carrier family 27 member 3; plus strand). Cytogenetic location: 1q21.3.
Variant type: single nucleotide variant.
Coding change: c.112C>A on transcript NM_024330.4 (MANE Select); coding-DNA position 112, C replaced by A.
Protein change: p.Arg38=; no amino-acid change (arginine 38 retained).
Molecular consequence: synonymous variant. On other transcripts: non-coding transcript variant (1).
Genome position (GRCh38, 1-based): chr1:153,775,609, C>A. VCF-style: chr1-153775609-C-A. GRCh37 (hg19) VCF-style: chr1-153748085-C-A.
Other names: c.112C>A, p.Arg38= (NM_001317929.4).
Identifiers: ClinVar variation 2639351 (VCV002639351.24), dbSNP rs1040247983, ClinGen allele CA30724328.